The following is an entry in ClinVar:

ClinVar aggregate classification (germline): Uncertain significance (1 of 4 stars; one submission).

Submission:

Labcorp Genetics (formerly Invitae), Labcorp
Classification: Uncertain significance. Last evaluated: 2024-01-14. Review status: criteria provided, single submitter. Criteria: Invitae Variant Classification Sherloc (09022015). Collection method: clinical testing. Allele origin: germline.
Comment: This sequence change replaces proline, which is neutral and non-polar, with serine, which is neutral and polar, at codon 157 of the IRF4 protein (p.Pro157Ser). This variant is not present in population databases (gnomAD no frequency). This variant has not been reported in the literature in individuals affected with IRF4-related conditions. An algorithm developed to predict the effect of missense changes on protein structure and function (PolyPhen-2) suggests that this variant is likely to be tolerated. In summary, the available evidence is currently insufficient to determine the role of this variant in disease. Therefore, it has been classified as a Variant of Uncertain Significance.

NM_002460.4(IRF4):c.469C>T (p.Pro157Ser)

Gene: IRF4 (interferon regulatory factor 4; plus strand). Cytogenetic location: 6p25.3.
Variant type: single nucleotide variant.
Coding change: c.469C>T on transcript NM_002460.4 (MANE Select); coding-DNA position 469, C replaced by T.
Protein change: p.Pro157Ser; replaces proline 157 with serine.
Molecular consequence: missense variant. On other transcripts: non-coding transcript variant (1).
Genome position (GRCh38, 1-based): chr6:395,912, C>T. VCF-style: chr6-395912-C-T. GRCh37 (hg19) VCF-style: chr6-395912-C-T.
Other names: c.469C>T, p.Pro157Ser (NM_001195286.2); short protein forms P157S.
Identifiers: ClinVar variation 2709414 (VCV002709414.3), dbSNP rs2480813665, ClinGen allele CA362547304.